The following is an entry in ClinVar:

NM_020919.4(ALS2):c.2756G>C (p.Ser919Thr)

Gene: ALS2 (alsin Rho guanine nucleotide exchange factor ALS2; minus strand). Cytogenetic location: 2q33.1.
Variant type: single nucleotide variant.
Coding change: c.2756G>C on transcript NM_020919.4 (MANE Select); coding-DNA position 2756, G replaced by C.
Protein change: p.Ser919Thr; replaces serine 919 with threonine.
Molecular consequence: missense variant.
Genome position (GRCh38, 1-based): chr2:201,728,597, C>G on the plus strand (G>C on the coding strand, the complement: ALS2 is on the minus strand). VCF-style: chr2-201728597-C-G. GRCh37 (hg19) VCF-style: chr2-202593320-C-G.
Other names: short protein forms S919T.
Identifiers: ClinVar variation 1498321 (VCV001498321.6), dbSNP rs2106011572, ClinGen allele CA350322903.

ClinVar aggregate classification (germline): Uncertain significance (1 of 4 stars; one submission).

Conditions:
Infantile-onset ascending hereditary spastic paralysis (IAHSP). Also called: Infantile-Onset Ascending Hereditary Spastic Paralysis (IAHSP); Autosomal Recessive Juvenile Amyotrophic Lateral Sclerosis. Identifiers: Orphanet 293168, MedGen C2931441, MONDO:0011797, OMIM 607225. Disease mechanism: loss of function.

Submission:

Labcorp Genetics (formerly Invitae), Labcorp
Classification: Uncertain significance for Infantile-onset ascending hereditary spastic paralysis. Last evaluated: 2021-09-22. Review status: criteria provided, single submitter. Criteria: Invitae Variant Classification Sherloc (09022015). Collection method: clinical testing. Allele origin: germline.
Comment: This sequence change replaces serine with threonine at codon 919 of the ALS2 protein (p.Ser919Thr). The serine residue is highly conserved and there is a small physicochemical difference between serine and threonine. This variant is not present in population databases (ExAC no frequency). This variant has not been reported in the literature in individuals affected with ALS2-related conditions. Algorithms developed to predict the effect of missense changes on protein structure and function are either unavailable or do not agree on the potential impact of this missense change (SIFT: "Deleterious"; PolyPhen-2: "Possibly Damaging"; Align-GVGD: "Class C0"). In summary, the available evidence is currently insufficient to determine the role of this variant in disease. Therefore, it has been classified as a Variant of Uncertain Significance.